The following is an entry in ClinVar:

NM_012193.4(FZD4):c.1396C>T (p.Arg466Trp)

Genes: FZD4 (frizzled class receptor 4; minus strand), PRSS23 (serine protease 23; plus strand). Cytogenetic location: 11q14.2.
Variant type: single nucleotide variant.
Coding change: c.1396C>T on transcript NM_012193.4 (MANE Select); coding-DNA position 1396, C replaced by T.
Protein change: p.Arg466Trp; replaces arginine 466 with tryptophan.
Molecular consequence: missense variant. On other transcripts: non-coding transcript variant (2).
Genome position (GRCh38, 1-based): chr11:86,951,360, G>A on the plus strand (C>T on the coding strand, the complement: FZD4 is on the minus strand). VCF-style: chr11-86951360-G-A. GRCh37 (hg19) VCF-style: chr11-86662402-G-A.
Other names: short protein forms R466W.
Identifiers: ClinVar variation 2735714 (VCV002735714.4), dbSNP rs760286409, ClinGen allele CA6218333.

ClinVar aggregate classification (germline): Uncertain significance. Review status: criteria provided, multiple submitters, no conflicts (2 of 4 stars). 2 submissions from 2 submitters: Uncertain significance (2). Last evaluated 2025-08-30.

Allele frequency attached by ClinVar (database versions not stated): gnomAD exomes 0.00001; ExAC 0.00002; gnomAD 0.00002.
gnomAD v4.1: 20 of 1,613,696 alleles (0.0012%); highest among the groups gnomAD compares: East Asian, 0.018%; no homozygotes.

Submissions (2):

Labcorp Genetics (formerly Invitae), Labcorp
Classification: Uncertain significance. Last evaluated: 2025-08-30. Review status: criteria provided, single submitter. Criteria: Invitae Variant Classification Sherloc (09022015). Collection method: clinical testing. Allele origin: germline.
Comment: This sequence change replaces arginine, which is basic and polar, with tryptophan, which is neutral and slightly polar, at codon 466 of the FZD4 protein (p.Arg466Trp). This variant is present in population databases (rs760286409, gnomAD 0.04%). This missense change has been observed in individual(s) with retinopathy of prematurity (PMID: 20141357). ClinVar contains an entry for this variant (Variation ID: 2735714). Invitae Evidence Modeling of protein sequence and biophysical properties (such as structural, functional, and spatial information, amino acid conservation, physicochemical variation, residue mobility, and thermodynamic stability) indicates that this missense variant is not expected to disrupt FZD4 protein function with a negative predictive value of 80%. In summary, the available evidence is currently insufficient to determine the role of this variant in disease. Therefore, it has been classified as a Variant of Uncertain Significance.

Blueprint Genetics
Classification: Uncertain significance. Last evaluated: 2022-04-19. Review status: criteria provided, single submitter. Criteria: ACMG Guidelines, 2015. Collection method: clinical testing. Allele origin: germline.

Literature cited by the submitters: PubMed 20141357 (cited by Labcorp Genetics (formerly Invitae), Labcorp).